The following is an entry in ClinVar:

NM_000540.3(RYR1):c.3551G>C (p.Gly1184Ala)

Gene: RYR1 (ryanodine receptor 1; plus strand). Cytogenetic location: 19q13.2.
Variant type: single nucleotide variant.
Coding change: c.3551G>C on transcript NM_000540.3 (MANE Select); coding-DNA position 3551, G replaced by C.
Protein change: p.Gly1184Ala; replaces glycine 1184 with alanine.
Molecular consequence: missense variant.
Genome position (GRCh38, 1-based): chr19:38,469,135, G>C. VCF-style: chr19-38469135-G-C. GRCh37 (hg19) VCF-style: chr19-38959775-G-C.
Other names: c.3551G>C (NM_000540.2); c.3551G>C, p.Gly1184Ala (NM_001042723.2); short protein forms G1184A.
Identifiers: ClinVar variation 1058469 (VCV001058469.10), dbSNP rs1968280444, ClinGen allele CA405638916.

ClinVar aggregate classification (germline): Uncertain significance. Review status: criteria provided, multiple submitters, no conflicts (2 of 4 stars). 3 submissions from 3 submitters: Uncertain significance (3). Last evaluated 2026-07-23.

Conditions:
Inborn genetic diseases. Identifiers: MedGen C0950123, MeSH D030342.
Malignant hyperthermia, susceptibility to, 1 (MHS1). Also called: Anesthesia related hyperthermia; Malignant hyperpyrexia; Fulminating hyperpyrexia; Pharmacogenic myopathy; Malignant hyperthermia suceptibility 1; RYR1-Related Malignant Hyperthermia Susceptibility. Identifiers: Orphanet 423, MedGen C2930980, MONDO:0007783, OMIM 145600.
RYR1-related disorder. Also called: RYR1-related condition; RYR1-related disorders. Identifiers: MedGen CN239331.

Allele frequency attached by ClinVar (database versions not stated): TOPMed below 0.00001.
gnomAD v4.1: 7 of 1,614,138 alleles (0.00043%); highest among the groups gnomAD compares: Non-Finnish European, 0.00051%; no homozygotes.

Submissions (3):

Ambry Genetics
Classification: Uncertain significance for Inborn genetic diseases. Last evaluated: 2026-07-23. Review status: criteria provided, single submitter. Criteria: Ambry Variant Classification Scheme 2023. Collection method: clinical testing. Allele origin: germline.

All of Us Research Program, National Institutes of Health
Classification: Uncertain significance for Malignant hyperthermia, susceptibility to, 1. Last evaluated: 2024-09-23. Review status: criteria provided, single submitter. Criteria: ACMG Guidelines, 2015. Collection method: clinical testing. Allele origin: germline. Inheritance: Autosomal dominant inheritance. Observed: 2 variant alleles, 2 heterozygotes.
Comment: This missense variant replaces glycine with alanine at codon 1184 of the RYR1 protein. Computational prediction suggests that this variant may not impact protein structure and function (internally defined REVEL score threshold <= 0.5, PMID: 27666373). To our knowledge, functional studies have not been reported for this variant. This variant has not been reported in individuals affected with RYR1-related disorders in the literature. This variant has not been identified in the general population by the Genome Aggregation Database (gnomAD). The available evidence is insufficient to determine the role of this variant in disease conclusively. Therefore, this variant is classified as a Variant of Uncertain Significance.

This study involves interpretation of variants in research participants for the purpose of population health screening. Participant phenotype was not available at the time of variant classification. Additional details can be found in publication PMID: 35346344, PMCID: PMC8962531

Labcorp Genetics (formerly Invitae), Labcorp
Classification: Uncertain significance for RYR1-related disorder. Last evaluated: 2020-01-16. Review status: criteria provided, single submitter. Criteria: Invitae Variant Classification Sherloc (09022015). Collection method: clinical testing. Allele origin: germline.
Comment: In summary, the available evidence is currently insufficient to determine the role of this variant in disease. Therefore, it has been classified as a Variant of Uncertain Significance. Algorithms developed to predict the effect of missense changes on protein structure and function are either unavailable or do not agree on the potential impact of this missense change (SIFT: "Deleterious"; PolyPhen-2: "Benign"; Align-GVGD: "Class C0"). This variant has not been reported in the literature in individuals with RYR1-related conditions. This variant is not present in population databases (ExAC no frequency). This sequence change replaces glycine with alanine at codon 1184 of the RYR1 protein (p.Gly1184Ala). The glycine residue is highly conserved and there is a small physicochemical difference between glycine and alanine.